The following is an entry in ClinVar:

ClinVar aggregate classification (germline): Conflicting classifications of pathogenicity. Review status: criteria provided, conflicting classifications (1 of 4 stars). 3 submissions from 3 submitters: Uncertain significance (1); Likely benign (2). Last evaluated 2025-12-31.

Conditions:
Hereditary cancer-predisposing syndrome. Also called: Neoplastic Syndromes, Hereditary; Tumor predisposition; Hereditary neoplastic syndrome; Hereditary Cancer Syndrome. Identifiers: Orphanet 140162, MedGen C0027672, MeSH D009386, MONDO:0015356.
Carney complex, type 1 (CNC1). Also called: CARNEY MYXOMA-ENDOCRINE COMPLEX; CARNEY COMPLEX, TYPE I. Identifiers: Orphanet 1359, MedGen C2607929, MONDO:0008057, OMIM 160980.

Allele frequency attached by ClinVar (database versions not stated): gnomAD exomes below 0.00001; TOPMed 0.00002.
gnomAD v4.1: 1 of 1,611,082 alleles (0.000062%); highest among the groups gnomAD compares: Non-Finnish European, 0.000085%; no homozygotes.

Submissions (3):

Labcorp Genetics (formerly Invitae), Labcorp
Classification: Likely benign for Carney complex, type 1. Last evaluated: 2025-12-31. Review status: criteria provided, single submitter. Criteria: Invitae Variant Classification Sherloc (09022015). Collection method: clinical testing. Allele origin: germline.

Ambry Genetics
Classification: Uncertain significance for Hereditary cancer-predisposing syndrome. Last evaluated: 2025-04-01. Review status: criteria provided, single submitter. Criteria: Ambry Variant Classification Scheme 2023. Collection method: clinical testing. Allele origin: germline.
Comment: The c.349-5T>C intronic variant results from a T to C substitution 5 nucleotides upstream from coding exon 3 in the PRKAR1A gene. This nucleotide position is not well conserved in available vertebrate species. In silico splice site analysis predicts that this alteration will not have any significant effect on splicing. Based on the available evidence, the clinical significance of this variant remains unclear.

Mendelics
Classification: Likely benign for Carney complex, type 1. Last evaluated: 2019-05-28. Review status: criteria provided, single submitter. Criteria: Mendelics Assertion Criteria 2017. Collection method: clinical testing. Allele origin: unknown.

NM_002734.5(PRKAR1A):c.349-5T>C

Gene: PRKAR1A (protein kinase cAMP-dependent type I regulatory subunit alpha; plus strand). Cytogenetic location: 17q24.2.
Variant type: single nucleotide variant.
Coding change: c.349-5T>C on transcript NM_002734.5 (MANE Select); 5 bases into the intron before coding-DNA position 349, T replaced by C.
Molecular consequence: intron variant.
Genome position (GRCh38, 1-based): chr17:68,523,720, T>C. VCF-style: chr17-68523720-T-C. GRCh37 (hg19) VCF-style: chr17-66519861-T-C.
Other names: c.349-5T>C (NM_001278433.2, NM_001369389.1, NM_212471.3 and 5 more transcripts).
Identifiers: ClinVar variation 580456 (VCV000580456.14), dbSNP rs1456043929, ClinGen allele CA774462604.